The following is an entry in ClinVar:

ClinVar aggregate classification (germline): Benign. Review status: criteria provided, multiple submitters, no conflicts (2 of 4 stars). 12 submissions from 12 submitters: Benign (9). 3 of the submissions do not count toward it. Last evaluated 2026-06-23.

Conditions:
FGFR3-related chondrodysplasia. Identifiers: Orphanet 93420, MedGen C5681604, MONDO:0019685.

Allele frequency attached by ClinVar (database versions not stated): gnomAD exomes 0.01460 and 0.02771; ExAC 0.07232; ESP Exome Variant Server 0.08528; gnomAD 0.09286 and 0.09854; TOPMed 0.10399; 1000 Genomes Project 0.10523; 1000 Genomes Project 30x 0.10775.

Submissions (12):

Genomenon, Inc
Classification: Benign for FGFR3-related chondrodysplasia. Last evaluated: 2026-06-23. Review status: criteria provided, single submitter. Criteria: Genomenon Sequence Variant Interpretation Standards - Updated. Collection method: curation. Allele origin: germline. Affected: no.
Comment: FGFR3 p.Ile201= (c.603T>C) is a synonymous variant that retains Isoleucine at codon 201. This variant is present at high allele frequency in population databases. We classify FGFR3 p.Ile201= (c.603T>C) as a benign variant.

Women's Health and Genetics/Laboratory Corporation of America, LabCorp
Classification: Benign. Last evaluated: 2026-05-09. Review status: criteria provided, single submitter. Criteria: LabCorp Variant Classification Summary - May 2015. Collection method: clinical testing. Allele origin: germline.

Labcorp Genetics (formerly Invitae), Labcorp
Classification: Benign. Last evaluated: 2026-02-02. Review status: criteria provided, single submitter. Criteria: Invitae Variant Classification Sherloc (09022015). Collection method: clinical testing. Allele origin: germline.

Blueprint Genetics
Classification: Benign. Last evaluated: 2024-11-26. Review status: criteria provided, single submitter. Criteria: ACMG Guidelines, 2015. Collection method: clinical testing. Allele origin: germline.

Mayo Clinic Laboratories, Mayo Clinic
Classification: Benign. Last evaluated: 2024-04-11. Review status: criteria provided, single submitter. Criteria: ACMG Guidelines, 2015. Collection method: clinical testing. Allele origin: germline. Observed: 31 variant alleles.

Eurofins Ntd Llc (ga)
Classification: Benign. Last evaluated: 2018-08-28. Review status: criteria provided, single submitter. Criteria: EGL ClinVar v180209 classification definitions. Collection method: clinical testing. Allele origin: germline. Observed: 3 variant alleles, 3 heterozygotes.

GeneDx
Classification: Benign. Last evaluated: 2016-05-27. Review status: criteria provided, single submitter. Criteria: GeneDx Variant Classification (06012015). Collection method: clinical testing. Allele origin: germline. Affected: yes.
Comment: This variant is considered likely benign or benign based on one or more of the following criteria: it is a conservative change, it occurs at a poorly conserved position in the protein, it is predicted to be benign by multiple in silico algorithms, and/or has population frequency not consistent with disease.

Breakthrough Genomics
Classification: Benign. Review status: criteria provided, single submitter. Criteria: ACMG Guidelines, 2015. Collection method: not provided. Allele origin: germline. Inheritance: Autosomal dominant inheritance. Affected: yes.

PreventionGenetics, part of Exact Sciences
Classification: Benign. Review status: criteria provided, single submitter. Criteria: ACMG Guidelines, 2015. Collection method: clinical testing. Allele origin: germline.

Clinical Genetics DNA and cytogenetics Diagnostics Lab, Erasmus MC, Erasmus Medical Center
Classification: Benign. Review status: no assertion criteria provided. Collection method: clinical testing. Allele origin: germline. Affected: yes. Study: VKGL Data-share Consensus. Not counted in ClinVar's aggregate classification.

Clinical Genetics, Academic Medical Center
Classification: Benign. Review status: no assertion criteria provided. Collection method: clinical testing. Allele origin: germline. Affected: yes. Study: VKGL Data-share Consensus. Not counted in ClinVar's aggregate classification.

Laboratory of Diagnostic Genome Analysis, Leiden University Medical Center (LUMC)
Classification: Benign. Review status: no assertion criteria provided. Collection method: clinical testing. Allele origin: germline. Affected: yes. Study: VKGL Data-share Consensus. Not counted in ClinVar's aggregate classification.

NM_000142.5(FGFR3):c.603T>C (p.Ile201=)

Gene: FGFR3 (fibroblast growth factor receptor 3; plus strand). Cytogenetic location: 4p16.3.
Variant type: single nucleotide variant.
Coding change: c.603T>C on transcript NM_000142.5 (MANE Select); coding-DNA position 603, T replaced by C.
Protein change: p.Ile201=; no amino-acid change (isoleucine 201 retained).
Molecular consequence: synonymous variant. On other transcripts: non-coding transcript variant (1).
Genome position (GRCh38, 1-based): chr4:1,801,524, T>C. VCF-style: chr4-1801524-T-C. GRCh37 (hg19) VCF-style: chr4-1803251-T-C.
Other names: p.Ile201=; c.603T>C, p.Ile201= (NM_001163213.2, NM_001354809.2, NM_001354810.2 and 1 more transcripts).
Identifiers: ClinVar variation 197628 (VCV000197628.22), dbSNP rs2305181, ClinGen allele CA202980.
Genomic context (GRCh38, chr4:1,801,524, plus strand): 5'-CCCCACTCCCTCCATCTCCTGGCTGAAGAACGGCAGGGAGTTCCGCGGCGAGCACCGCAT[T>C]GGAGGCATCAAGGTGGGCGCGGCGGGGTGGCTCTGGGCCTGGCAGGCGCGGTGGTTGCTG-3'
Protein context (NP_000133.1, residues 191-211): NGREFRGEHR[Ile201=]GGIKLRHQQW